The following is an entry in ClinVar:

ClinVar aggregate classification (germline): Pathogenic. Review status: criteria provided, multiple submitters, no conflicts (2 of 4 stars). 8 submissions from 8 submitters: Pathogenic (6). 2 of the submissions do not count toward it. Last evaluated 2025-07-27.

Conditions:
Retinitis pigmentosa (RP). Identifiers: Orphanet 791, MedGen C0035334, MeSH D012174, MONDO:0019200, OMIM 268000. Inheritance: Autosomal dominant, autosomal recessive and X linked inheritance.
Retinitis pigmentosa 31 (RP31). Identifiers: Orphanet 791, MedGen C1835923, MONDO:0012367, OMIM 609923.
TOPORS-related disorder. Also called: TOPORS-related condition.
Retinal dystrophy. Also called: Inherited retinal dystrophy. Identifiers: Orphanet 71862, MedGen C0854723, MeSH D058499, MONDO:0019118, HP:0000556.

Submissions (8):

Labcorp Genetics (formerly Invitae), Labcorp
Classification: Pathogenic. Last evaluated: 2025-07-27. Review status: criteria provided, single submitter. Criteria: Invitae Variant Classification Sherloc (09022015). Collection method: clinical testing. Allele origin: germline.
Comment: This sequence change creates a premature translational stop signal (p.Glu852Aspfs*20) in the TOPORS gene. While this is not anticipated to result in nonsense mediated decay, it is expected to disrupt the last 194 amino acid(s) of the TOPORS protein. This variant is not present in population databases (gnomAD no frequency). This premature translational stop signal has been observed in individuals with autosomal dominant retinitis pigmentosa (PMID: 17924349, 23950152, 28041643, 28076437). This variant is also known as c.2552_2553delGA (p.Arg851fs). ClinVar contains an entry for this variant (Variation ID: 438066). This variant is located in a region of the TOPORS protein where a significant number of TOPORS nonsense and frameshift mutations have been reported in association with autosomal dominant retinitis pigmentosa (PMID: 35579903, 17924349, 32531858). For these reasons, this variant has been classified as Pathogenic.

3billion
Classification: Pathogenic for Retinitis pigmentosa 31. Last evaluated: 2025-07-09. Review status: criteria provided, single submitter. Criteria: ACMG Guidelines, 2015. Collection method: clinical testing. Allele origin: germline. Affected: yes.
Comment: The variant is not observed in the gnomAD v4.1.0 dataset. Predicted Consequence/Location: Frameshift: predicted to result in a loss or disruption of normal protein function through protein truncation. The predicted truncated protein may be shortened by more than 10%. The variant has been observed in multiple (>3) similarly affected unrelated individuals (PMID: 17924349, 23950152, 28041643, 28076437). The variant has been reported at least twice as pathogenic with clinical assertions and evidence for the classification (ClinVar ID: VCV000438066 /PMID: 17924349 /3billion dataset). Therefore, this variant is classified as Pathogenic according to the recommendation of ACMG/AMP guideline.

Blueprint Genetics
Classification: Pathogenic for TOPORS-related disorders. Last evaluated: 2024-07-17. Review status: criteria provided, single submitter. Criteria: ACMG Guidelines, 2015. Collection method: clinical testing. Allele origin: germline. Affected: yes. Observed: 5 variant alleles.

MGZ Medical Genetics Center
Classification: Pathogenic for Retinitis pigmentosa 31. Last evaluated: 2021-08-06. Review status: criteria provided, single submitter. Criteria: ACMG Guidelines, 2015. Collection method: clinical testing. Allele origin: germline. Affected: yes. Observed: 1 variant allele.
Comment: ACMG criteria applied: PVS1_STR, PS4, PM2_SUP

Institute of Human Genetics, Univ. Regensburg, Univ. Regensburg
Classification: Pathogenic for Retinal dystrophy. Last evaluated: 2020-01-01. Review status: criteria provided, single submitter. Criteria: ACMG Guidelines, 2015. Collection method: clinical testing. Allele origin: germline. Affected: yes.

Mendelics
Classification: Pathogenic for Retinitis pigmentosa. Last evaluated: 2019-05-28. Review status: criteria provided, single submitter. Criteria: Mendelics Assertion Criteria 2017. Collection method: clinical testing. Allele origin: unknown.

NIHR Bioresource Rare Diseases, University of Cambridge
Classification: Pathogenic for Retinitis pigmentosa. Last evaluated: 2015-01-01. Review status: no assertion criteria provided. Collection method: research. Allele origin: unknown. Affected: yes. Observed: 1 variant allele. Not counted in ClinVar's aggregate classification.

OMIM
Classification: Pathogenic for RETINITIS PIGMENTOSA 31. Last evaluated: 2014-10-01. Review status: no assertion criteria provided. Collection method: literature only. Allele origin: germline. Not counted in ClinVar's aggregate classification.

Literature cited by the submitters: PubMed 17924349 (cited by 5 submitters); PubMed 23950152 (cited by Labcorp Genetics (formerly Invitae), Labcorp and 3billion); PubMed 28041643 (cited by 3 submitters); PubMed 28076437 (cited by Labcorp Genetics (formerly Invitae), Labcorp and 3billion); PubMed 35579903 (cited by Labcorp Genetics (formerly Invitae), Labcorp); PubMed 32531858 (cited by Labcorp Genetics (formerly Invitae), Labcorp); PubMed 32581362 (cited by Institute of Human Genetics, Univ. Regensburg, Univ. Regensburg); PubMed 36460718 (cited by Institute of Human Genetics, Univ. Regensburg, Univ. Regensburg); PubMed 24938718 (cited by OMIM).

NM_005802.5(TOPORS):c.2556_2557del (p.Glu852fs)

Gene: TOPORS (TOP1 binding arginine/serine rich protein, E3 ubiquitin ligase; minus strand). Cytogenetic location: 9p21.1.
Variant type: Microsatellite.
Coding change: c.2556_2557del on transcript NM_005802.5 (MANE Select); coding-DNA positions 2556 to 2557, 2 bases deleted (GA; older notation c.2556_2557delGA).
Protein change: p.Glu852fs; shifts the reading frame from glutamic acid 852.
Molecular consequence: frameshift variant.
Genome position (GRCh38, 1-based): chr9:32,541,968-32,541,969, TC deleted on the plus strand (GA on the coding strand, the reverse complement: TOPORS is on the minus strand); deleting any 2 consecutive bases within chr9:32,541,968-32,541,974 gives the same sequence; the c. name uses the placement nearest the transcript's 3' end. VCF-style (leftmost placement, unchanged base first): chr9-32541967-GTC-G. GRCh37 (hg19) VCF-style: chr9-32541965-GTC-G.
Other names: c.2361_2362del, p.Glu787fs (NM_001195622.2); c.2556_2557delGA (NM_005802.4); short protein forms E852fs, E787fs.
Identifiers: ClinVar variation 438066 (VCV000438066.17), dbSNP rs527236116, ClinGen allele CA645509428.